The following is an entry in ClinVar:

ClinVar aggregate classification (germline): Pathogenic (1 of 4 stars; one submission).

Allele frequency attached by ClinVar (database versions not stated): gnomAD exomes below 0.00001; ExAC 0.00002.

Submission:

Labcorp Genetics (formerly Invitae), Labcorp
Classification: Pathogenic. Last evaluated: 2025-07-28. Review status: criteria provided, single submitter. Criteria: Invitae Variant Classification Sherloc (09022015). Collection method: clinical testing. Allele origin: germline.
Comment: This sequence change creates a premature translational stop signal (p.Ile84Thrfs*65) in the PDZD7 gene. It is expected to result in an absent or disrupted protein product. Loss-of-function variants in PDZD7 are known to be pathogenic (PMID: 20440071). This variant is present in population databases (rs773303069, gnomAD 0.002%). This variant has not been reported in the literature in individuals affected with PDZD7-related conditions. ClinVar contains an entry for this variant (Variation ID: 2049992). For these reasons, this variant has been classified as Pathogenic.

Literature cited by the submitters: PubMed 20440071.

NM_001195263.2(PDZD7):c.250_251insC (p.Ile84fs)

Gene: PDZD7 (PDZ domain containing 7; minus strand). Cytogenetic location: 10q24.31.
Variant type: Insertion.
Coding change: c.250_251insC on transcript NM_001195263.2 (MANE Select); coding-DNA positions 250 to 251, C inserted.
Protein change: p.Ile84fs; shifts the reading frame from isoleucine 84.
Molecular consequence: frameshift variant.
Genome position: GRCh38 VCF-style: chr10-101024044-A-AG. GRCh37 (hg19) VCF-style: chr10-102783801-A-AG.
Other names: c.250_251insC, p.Ile84fs (NM_001351044.2, NM_024895.5); short protein forms I84fs.
Identifiers: ClinVar variation 2049992 (VCV002049992.4), dbSNP rs773303069, ClinGen allele CA5654466.